The following is an entry in ClinVar:

ClinVar aggregate classification (germline): Uncertain significance. Review status: criteria provided, multiple submitters, no conflicts (2 of 4 stars). 3 submissions from 3 submitters: Uncertain significance (3). Last evaluated 2025-08-25.

Allele frequency attached by ClinVar (database versions not stated): gnomAD exomes 0.00001; ExAC 0.00002; gnomAD 0.00002 and 0.00003; TOPMed 0.00003; ESP Exome Variant Server 0.00015.
gnomAD v4.1: 20 of 1,610,618 alleles (0.0012%); highest among the groups gnomAD compares: African/African-American, 0.004%; no homozygotes.

Submissions (3):

Ambry Genetics
Classification: Uncertain significance. Last evaluated: 2025-08-25. Review status: criteria provided, single submitter. Criteria: Ambry Variant Classification Scheme 2023. Collection method: clinical testing. Allele origin: germline.

Labcorp Genetics (formerly Invitae), Labcorp
Classification: Uncertain significance. Last evaluated: 2022-05-07. Review status: criteria provided, single submitter. Criteria: Invitae Variant Classification Sherloc (09022015). Collection method: clinical testing. Allele origin: germline.
Comment: This sequence change replaces valine, which is neutral and non-polar, with isoleucine, which is neutral and non-polar, at codon 422 of the SCP2 protein (p.Val422Ile). This variant is present in population databases (rs370480896, gnomAD 0.002%). This variant has not been reported in the literature in individuals affected with SCP2-related conditions. ClinVar contains an entry for this variant (Variation ID: 593907). Algorithms developed to predict the effect of missense changes on protein structure and function (SIFT, PolyPhen-2, Align-GVGD) all suggest that this variant is likely to be tolerated. In summary, the available evidence is currently insufficient to determine the role of this variant in disease. Therefore, it has been classified as a Variant of Uncertain Significance.

Eurofins Ntd Llc (ga)
Classification: Uncertain significance. Last evaluated: 2017-09-01. Review status: criteria provided, single submitter. Criteria: EGL Classification Definitions 2015. Collection method: clinical testing. Allele origin: germline. Observed: 1 variant allele, 1 heterozygote.

NM_002979.5(SCP2):c.1264G>A (p.Val422Ile)

Gene: SCP2 (sterol carrier protein 2; plus strand). Cytogenetic location: 1p32.3.
Variant type: single nucleotide variant.
Coding change: c.1264G>A on transcript NM_002979.5 (MANE Select); coding-DNA position 1264, G replaced by A.
Protein change: p.Val422Ile; replaces valine 422 with isoleucine.
Molecular consequence: missense variant.
Genome position (GRCh38, 1-based): chr1:53,027,997, G>A. VCF-style: chr1-53027997-G-A. GRCh37 (hg19) VCF-style: chr1-53493669-G-A.
Other names: c.1264G>A (NM_002979.4); c.52G>A, p.Val18Ile (NM_001007099.3, NM_001007250.3); c.43G>A, p.Val15Ile (NM_001007100.3); c.1192G>A, p.Val398Ile (NM_001193599.2); c.1132G>A, p.Val378Ile (NM_001193600.2); c.1021G>A, p.Val341Ile (NM_001193617.2); short protein forms V422I, V15I, V341I, V398I, V18I, V378I.
Identifiers: ClinVar variation 593907 (VCV000593907.10), dbSNP rs370480896, ClinGen allele CA857375.